The following is an entry in ClinVar:

ClinVar aggregate classification (germline): Uncertain significance (1 of 4 stars; one submission).

Conditions:
Senior-Loken syndrome 7 (SLSN7). Identifiers: Orphanet 3156, MedGen C3150877, MONDO:0013326, OMIM 613615.
Bardet-Biedl syndrome 16 (BBS16). Identifiers: Orphanet 110, MedGen C3889474, MONDO:0014444, OMIM 615993.

Allele frequency attached by ClinVar (database versions not stated): gnomAD exomes below 0.00001.
gnomAD v4.1: 1 of 1,613,980 alleles (0.000062%); highest among the groups gnomAD compares: Middle Eastern, 0.016%; no homozygotes.

Submission:

Labcorp Genetics (formerly Invitae), Labcorp
Classification: Uncertain significance for Bardet-Biedl syndrome 16; Senior-Loken syndrome 7. Last evaluated: 2022-10-04. Review status: criteria provided, single submitter. Criteria: Invitae Variant Classification Sherloc (09022015). Collection method: clinical testing. Allele origin: germline.
Comment: In summary, the available evidence is currently insufficient to determine the role of this variant in disease. Therefore, it has been classified as a Variant of Uncertain Significance. Advanced modeling of protein sequence and biophysical properties (such as structural, functional, and spatial information, amino acid conservation, physicochemical variation, residue mobility, and thermodynamic stability) performed at Invitae indicates that this missense variant is not expected to disrupt SDCCAG8 protein function. ClinVar contains an entry for this variant (Variation ID: 1016263). This variant has not been reported in the literature in individuals affected with SDCCAG8-related conditions. This variant is present in population databases (no rsID available, gnomAD no frequency). This sequence change replaces serine, which is neutral and polar, with phenylalanine, which is neutral and non-polar, at codon 144 of the SDCCAG8 protein (p.Ser144Phe).

NM_006642.5(SDCCAG8):c.431C>T (p.Ser144Phe)

Gene: SDCCAG8 (SHH signaling and ciliogenesis regulator SDCCAG8; plus strand). Cytogenetic location: 1q43.
Variant type: single nucleotide variant.
Coding change: c.431C>T on transcript NM_006642.5 (MANE Select); coding-DNA position 431, C replaced by T.
Protein change: p.Ser144Phe; replaces serine 144 with phenylalanine.
Molecular consequence: missense variant. On other transcripts: 5 prime UTR variant (3).
Genome position (GRCh38, 1-based): chr1:243,286,282, C>T. VCF-style: chr1-243286282-C-T. GRCh37 (hg19) VCF-style: chr1-243449584-C-T.
Other names: c.-682C>T (NM_001350246.2); c.-570C>T (NM_001350247.2); c.431C>T, p.Ser144Phe (NM_001350248.2); c.137C>T, p.Ser46Phe (NM_001350249.2); c.-943C>T (NM_001350251.2); short protein forms S144F, S46F.
Identifiers: ClinVar variation 1016263 (VCV001016263.8), dbSNP rs1453249734, ClinGen allele CA345477161.